The following is an entry in ClinVar:

ClinVar aggregate classification (germline): Uncertain significance (1 of 4 stars; one submission).

Submission:

CeGaT Center for Human Genetics Tuebingen
Classification: Uncertain significance. Last evaluated: 2025-09-01. Review status: criteria provided, single submitter. Criteria: CeGaT Center For Human Genetics Tuebingen Variant Classification Criteria Version 2. Collection method: clinical testing. Allele origin: germline. Affected: yes. Observed: 1 variant allele.
Comment: SYNE1: PM2

NM_182961.4(SYNE1):c.2896T>G (p.Phe966Val)

Gene: SYNE1 (spectrin repeat containing nuclear envelope protein 1; minus strand). Cytogenetic location: 6q25.2.
Variant type: single nucleotide variant.
Coding change: c.2896T>G on transcript NM_182961.4 (MANE Select); coding-DNA position 2896, T replaced by G.
Protein change: p.Phe966Val; replaces phenylalanine 966 with valine.
Molecular consequence: missense variant.
Genome position (GRCh38, 1-based): chr6:152,453,717, A>C on the plus strand (T>G on the coding strand, the complement: SYNE1 is on the minus strand). VCF-style: chr6-152453717-A-C. GRCh37 (hg19) VCF-style: chr6-152774852-A-C.
Other names: c.2917T>G, p.Phe973Val (NM_033071.5); short protein forms F966V, F973V.
Identifiers: ClinVar variation 4281331 (VCV004281331.7).